The following is an entry in ClinVar:

ClinVar aggregate classification (germline): Conflicting classifications of pathogenicity. Review status: criteria provided, conflicting classifications (1 of 4 stars). 4 submissions from 4 submitters: Uncertain significance (3); Benign (1). Last evaluated 2025-03-28.

Conditions:
Dehydrated hereditary stomatocytosis with or without pseudohyperkalemia and/or perinatal edema (DHS1). Also called: PSEUDOHYPERKALEMIA EDINBURGH; DEHYDRATED HEREDITARY STOMATOCYTOSIS AND PSEUDOHYPERKALEMIA; DEHYDRATED HEREDITARY STOMATOCYTOSIS WITH PSEUDOHYPERKALEMIA AND PERINATAL EDEMA; Pseudohyperkalemia, familial, 1, due to red cell leak; Dehydrated hereditary stomatocytosis 1 with or without pseudohyperkalemia and/or perinatal edema. Identifiers: Orphanet 3202, MedGen C4551512, MONDO:0008689, OMIM 194380.
Lymphatic malformation 6 (LMPHM6). Also called: PIEZO1-related generalized lymphatic dysplasia with non-immune hydrops fetalis; GENERALIZED LYMPHATIC DYSPLASIA OF FOTIOU; Lymphedema, hereditary, III. Identifiers: Orphanet 568062, MedGen C4225184, MONDO:0014797, OMIM 616843.

gnomAD v4.1: 90 of 1,550,278 alleles (0.0058%); highest among the groups gnomAD compares: East Asian, 0.037%; no homozygotes.

Submissions (4):

ARUP Laboratories, Molecular Genetics and Genomics, ARUP Laboratories
Classification: Uncertain significance. Last evaluated: 2025-03-28. Review status: criteria provided, single submitter. Criteria: ARUP Molecular Germline Variant Investigation Process 2024. Collection method: clinical testing. Allele origin: germline.
Comment: The PIEZO1 c.3598G>A; p.Gly1200Ser variant (rs376165646), to our knowledge, is not reported in the medical literature or gene specific databases. This variant is found in the general population with an overall allele frequency of 0.006% (90/1,550,278 alleles) in the Genome Aggregation Database (v2.1.1). Computational analyses are uncertain whether this variant is neutral or deleterious (REVEL: 0.408). In addition, computational analyses (Alamut Visual Plus v.1.12) predict that this variant may impact splicing by creating a novel cryptic acceptor splice site. However, given the lack of clinical and functional data, the significance of this variant is uncertain at this time.

Labcorp Genetics (formerly Invitae), Labcorp
Classification: Benign. Last evaluated: 2025-01-08. Review status: criteria provided, single submitter. Criteria: Invitae Variant Classification Sherloc (09022015). Collection method: clinical testing. Allele origin: germline.

Revvity Omics, Revvity
Classification: Uncertain significance. Last evaluated: 2024-09-24. Review status: criteria provided, single submitter. Criteria: ACMG Guidelines, 2015. Collection method: clinical testing. Allele origin: germline.

Department of Pathology and Laboratory Medicine, Sinai Health System
Classification: Uncertain significance for Dehydrated hereditary stomatocytosis with or without pseudohyperkalemia and/or perinatal edema; Lymphatic malformation 6. Last evaluated: 2021-07-30. Review status: criteria provided, single submitter. Criteria: ACMG Guidelines, 2015. Collection method: research. Allele origin: germline.

NM_001142864.4(PIEZO1):c.3598G>A (p.Gly1200Ser)

Gene: PIEZO1 (piezo type mechanosensitive ion channel component 1 (Er blood group); minus strand). Cytogenetic location: 16q24.3.
Variant type: single nucleotide variant.
Coding change: c.3598G>A on transcript NM_001142864.4 (MANE Select); coding-DNA position 3598, G replaced by A.
Protein change: p.Gly1200Ser; replaces glycine 1200 with serine.
Molecular consequence: missense variant.
Genome position (GRCh38, 1-based): chr16:88,726,816, C>T on the plus strand (G>A on the coding strand, the complement: PIEZO1 is on the minus strand). VCF-style: chr16-88726816-C-T. GRCh37 (hg19) VCF-style: chr16-88793224-C-T.
Other names: short protein forms G1200S.
Identifiers: ClinVar variation 3634307 (VCV003634307.5).